The following is an entry in ClinVar:

ClinVar aggregate classification (germline): Likely benign. Review status: reviewed by expert panel (3 of 4 stars). 15 submissions from 15 submitters: Likely benign (1). 14 of the submissions do not count toward it. Last evaluated 2025-05-21.

Conditions:
USH2A-related disorder. Also called: USH2A-related condition; USH2A-related disorders. Identifiers: MedGen CN239332.
Usher syndrome. Also called: Usher Syndromes; Usher's syndrome. Identifiers: Orphanet 886, MedGen CN469326, MeSH D052245, MONDO:0019501. Disease mechanism: loss of function.
Usher syndrome type 2A. Also called: USHER SYNDROME, TYPE IIA; RETINAL DISEASE IN USHER SYNDROME TYPE IIA, MODIFIER OF. Identifiers: Orphanet 231178, Orphanet 886, MedGen C1848634, MONDO:0010169, OMIM 276901.
Retinitis pigmentosa 39 (RP39). Identifiers: Orphanet 791, MedGen C3151138, MONDO:0013436, OMIM 613809.
Retinitis pigmentosa (RP). Identifiers: Orphanet 791, MedGen C0035334, MeSH D012174, MONDO:0019200, OMIM 268000. Inheritance: Autosomal dominant, autosomal recessive and X linked inheritance.

Allele frequency attached by ClinVar (database versions not stated): gnomAD exomes 0.00022; ExAC 0.00023; ESP Exome Variant Server 0.00085; TOPMed 0.00093; 1000 Genomes Project 30x 0.00094; gnomAD 0.00105; 1000 Genomes Project 0.00120.
gnomAD v4.1: 334 of 1,614,162 alleles (0.021%); highest among the groups gnomAD compares: African/African-American, 0.36%; no homozygotes.

Submissions (15):

ClinGen Hearing Loss Variant Curation Expert Panel
Classification: Likely benign for Usher syndrome. Last evaluated: 2025-05-21. Review status: reviewed by expert panel. Criteria: Clingen Hl Acmg Specifications Cdh23 Coch Gjb2 Kcnq4 Myo6 Myo7a Slc26a4 Tecta Ush2a V2. Collection method: curation. Allele origin: germline. Inheritance: Autosomal recessive inheritance.
Comment: The c.12505A>G variant in USH2A is a missense variant predicted to cause substitution of threonine by alanine at amino acid 4169. The highest population minor allele frequency in gnomAD v4.1 is 0.003637 (273/75052 alleles) in the African/African-American population, which is higher than the ClinGen HL VCEP threshold (>0.003]) for BS1, and therefore meets this criterion (BS1 met).The computational predictor REVEL gives a score of 0.207, which is neither above nor below the thresholds predicting a damaging or benign impact on USH2A function. (PP3 and BP4 not met). This variant has been observed in the homozygous state in at least six apparently healthy adults (GeneDx internal data, SCV000583079.4). This variant has also been observed with a co-occurring pathogenic variant, phase unknown, in three patients with retinitis pigmentosa/other retinal disease (Labcorp Genetics (formerly Invitae) SCV001039753.7). However, given its high allele frequency in the population and unknown phase with the co-occurring variant, PM3 was not applied. In summary, this variant has been classified as likely benign based on the ACMG/AMP criteria applied, as specified by the ClinGen Hearing Loss VCEP: BS1 (ClinGen Hearing Loss VCEP specifications version 2; 5/21/2025)

Labcorp Genetics (formerly Invitae), Labcorp
Classification: Likely benign. Last evaluated: 2026-02-01. Review status: criteria provided, single submitter. Criteria: Invitae Variant Classification Sherloc (09022015). Collection method: clinical testing. Allele origin: germline. Not counted in ClinVar's aggregate classification.

ARUP Laboratories, Molecular Genetics and Genomics, ARUP Laboratories
Classification: Likely benign. Last evaluated: 2025-06-26. Review status: criteria provided, single submitter. Criteria: ARUP Molecular Germline Variant Investigation Process 2024. Collection method: clinical testing. Allele origin: germline. Not counted in ClinVar's aggregate classification.

Revvity Omics, Revvity
Classification: Likely benign. Last evaluated: 2025-05-30. Review status: criteria provided, single submitter. Criteria: ACMG Guidelines, 2015. Collection method: clinical testing. Allele origin: germline. Not counted in ClinVar's aggregate classification.

Blueprint Genetics
Classification: Likely benign. Last evaluated: 2024-11-11. Review status: criteria provided, single submitter. Criteria: ACMG Guidelines, 2015. Collection method: clinical testing. Allele origin: germline. Not counted in ClinVar's aggregate classification.

Women's Health and Genetics/Laboratory Corporation of America, LabCorp
Classification: Uncertain significance. Last evaluated: 2024-10-14. Review status: criteria provided, single submitter. Criteria: LabCorp Variant Classification Summary - May 2015. Collection method: clinical testing. Allele origin: germline. Not counted in ClinVar's aggregate classification.
Comment: Variant summary: USH2A c.12505A>G (p.Thr4169Ala) results in a non-conservative amino acid change located in the Fibronectin type 3 domain of the encoded protein sequence. Four of five in-silico tools predict a benign effect of the variant on protein function. The variant allele was found at a frequency of 0.00022 in 250428 control chromosomes. This frequency is not significantly higher than estimated for a pathogenic variant in USH2A causing Usher Syndrome (0.00022 vs 0.011), allowing no conclusion about variant significance. c.12505A>G has been reported in the literature in individuals affected with Inherited Retinal Disease. These report(s) do not provide unequivocal conclusions about association of the variant with Usher Syndrome. To our knowledge, no experimental evidence demonstrating an impact on protein function has been reported. The following publication have been ascertained in the context of this evaluation (PMID: 28041643). ClinVar contains an entry for this variant (Variation ID: 166435). Based on the evidence outlined above, the variant was classified as uncertain significance.

CeGaT Center for Human Genetics Tuebingen
Classification: Likely benign. Last evaluated: 2024-05-01. Review status: criteria provided, single submitter. Criteria: CeGaT Center For Human Genetics Tuebingen Variant Classification Criteria Version 2. Collection method: clinical testing. Allele origin: germline. Affected: yes. Observed: 1 variant allele. Not counted in ClinVar's aggregate classification.
Comment: USH2A: BP4

GeneDx
Classification: Likely benign. Last evaluated: 2020-10-20. Review status: criteria provided, single submitter. Criteria: GeneDx Variant Classification Process June 2021. Collection method: clinical testing. Allele origin: germline. Affected: yes. Not counted in ClinVar's aggregate classification.
Comment: In silico analysis supports that this missense variant has a deleterious effect on protein structure/function; This variant is associated with the following publications: (PMID: 28041643, 32581362)

Laboratory for Molecular Medicine, Mass General Brigham Personalized Medicine
Classification: Likely benign. Last evaluated: 2017-04-25. Review status: criteria provided, single submitter. Criteria: LMM Criteria. Collection method: clinical testing. Allele origin: germline. Observed: 4 variant alleles. Not counted in ClinVar's aggregate classification.
Comment: p.Thr4169Ala in exon 63 of USH2A: This variant is not expected to have clinical significance because it has been identified in 0.3% (80/24002) of African chrom osomes by the Genome Aggregation Database (gnomAD. org; dbSNP rs113107803).

Eurofins Ntd Llc (ga)
Classification: Uncertain significance. Last evaluated: 2017-02-15. Review status: criteria provided, single submitter. Criteria: EGL Classification Definitions 2015. Collection method: clinical testing. Allele origin: germline. Observed: 2 variant alleles, 2 heterozygotes. Not counted in ClinVar's aggregate classification.

Breakthrough Genomics
Classification: Likely benign. Review status: criteria provided, single submitter. Criteria: ACMG Guidelines, 2015. Collection method: not provided. Allele origin: germline. Inheritance: Autosomal recessive inheritance. Affected: yes. Not counted in ClinVar's aggregate classification.

PreventionGenetics, part of Exact Sciences
Classification: Likely benign for USH2A-related condition. Last evaluated: 2022-04-29. Review status: no assertion criteria provided. Collection method: clinical testing. Allele origin: germline. Not counted in ClinVar's aggregate classification.
Comment: This variant is classified as likely benign based on ACMG/AMP sequence variant interpretation guidelines (Richards et al. 2015 PMID: 25741868, with internal and published modifications).

Natera, Inc.
Classification: Uncertain significance for Usher syndrome type 2A. Last evaluated: 2020-01-11. Review status: no assertion criteria provided. Collection method: clinical testing. Allele origin: germline. Not counted in ClinVar's aggregate classification.

Counsyl
Classification: Uncertain significance for Usher syndrome type 2A; Retinitis pigmentosa 39. Last evaluated: 2017-10-10. Review status: no assertion criteria provided. Collection method: clinical testing. Allele origin: unknown. Not counted in ClinVar's aggregate classification.

NIHR Bioresource Rare Diseases, University of Cambridge
Classification: Likely pathogenic for Retinitis pigmentosa. Last evaluated: 2015-01-01. Review status: no assertion criteria provided. Collection method: research. Allele origin: unknown. Affected: yes. Observed: 1 variant allele. Not counted in ClinVar's aggregate classification.

Literature cited by the submitters: PubMed 28041643 (cited by 3 submitters).

NM_206933.4(USH2A):c.12505A>G (p.Thr4169Ala)

Gene: USH2A (usherin; minus strand). Cytogenetic location: 1q41.
Variant type: single nucleotide variant.
Coding change: c.12505A>G on transcript NM_206933.4 (MANE Select); coding-DNA position 12505, A replaced by G.
Protein change: p.Thr4169Ala; replaces threonine 4169 with alanine.
Molecular consequence: missense variant.
Genome position (GRCh38, 1-based): chr1:215,675,406, T>C on the plus strand (A>G on the coding strand, the complement: USH2A is on the minus strand). VCF-style: chr1-215675406-T-C. GRCh37 (hg19) VCF-style: chr1-215848748-T-C.
Other names: NM_206933.4(USH2A):c.12505A>G; short protein forms T4169A.
Identifiers: ClinVar variation 166435 (VCV000166435.63), dbSNP rs113107803, ClinGen allele CA179513.